The following is an entry in ClinVar:

NM_000642.3(AGL):c.1565del (p.Gly522fs)

Gene: AGL (amylo-alpha-1,6-glucosidase and 4-alpha-glucanotransferase; plus strand). Cytogenetic location: 1p21.2.
Variant type: Deletion.
Coding change: c.1565del on transcript NM_000642.3 (MANE Select); coding-DNA position 1565, one base deleted (G; older notation c.1565delG).
Protein change: p.Gly522fs; shifts the reading frame from glycine 522.
Molecular consequence: frameshift variant.
Genome position (GRCh38, 1-based): chr1:99,877,782, G deleted; the last of 3 consecutive G bases (chr1:99,877,780-99,877,782); deleting any one gives the same sequence. VCF-style (leftmost placement, unchanged base first): chr1-99877779-AG-A. GRCh37 (hg19) VCF-style: chr1-100343335-AG-A.
Other names: c.1517delG, p.Gly506Glufs (NM_000646.3); c.1565delG, p.Gly522Glufs (NM_001425325.1, NM_001425326.1, NM_000028.3 and 2 more transcripts); c.1364delG, p.Gly455Glufs (NM_001425327.1); c.1361delG, p.Gly454Glufs (NM_001425328.1, NM_001425329.1); c.1187delG, p.Gly396Glufs (NM_001425332.1); short protein forms G506fs, G522fs.
Identifiers: ClinVar variation 662810 (VCV000662810.7), dbSNP rs1570438459, ClinGen allele CA915941348.

ClinVar aggregate classification (germline): Pathogenic (1 of 4 stars; one submission).

Conditions:
Glycogen storage disease type III (GSD3). Also called: FORBES DISEASE; Cori disease. Identifiers: Orphanet 366, MedGen C0017922, MONDO:0009291, OMIM 232400.

Submission:

Labcorp Genetics (formerly Invitae), Labcorp
Classification: Pathogenic for Glycogen storage disease type III. Last evaluated: 2024-06-01. Review status: criteria provided, single submitter. Criteria: Invitae Variant Classification Sherloc (09022015). Collection method: clinical testing. Allele origin: germline.
Comment: This sequence change creates a premature translational stop signal (p.Gly522Glufs*14) in the AGL gene. It is expected to result in an absent or disrupted protein product. Loss-of-function variants in AGL are known to be pathogenic (PMID: 19299494). This variant is not present in population databases (gnomAD no frequency). This variant has not been reported in the literature in individuals affected with AGL-related conditions. ClinVar contains an entry for this variant (Variation ID: 662810). Algorithms developed to predict the effect of sequence changes on RNA splicing suggest that this variant may create or strengthen a splice site. For these reasons, this variant has been classified as Pathogenic.

Literature cited by the submitters: PubMed 19299494.